The following is an entry in ClinVar:

ClinVar aggregate classification (germline): Uncertain significance. Review status: criteria provided, multiple submitters, no conflicts (2 of 4 stars). 2 submissions from 2 submitters: Uncertain significance (2). Last evaluated 2024-09-04.

Conditions:
Idiopathic generalized epilepsy. Also called: Generalised epilepsy; EIG. Identifiers: MedGen C0270850, MONDO:0005579, OMIM 600669.
Hyperaldosteronism, familial, type IV (HALD4). Also called: FH IV; ALDOSTERONISM, PRIMARY, AND HYPERTENSION. Identifiers: Orphanet 642671, MedGen C4310756, MONDO:0014875, OMIM 617027.

Allele frequency attached by ClinVar (database versions not stated): TOPMed below 0.00001.

Submissions (2):

Women's Health and Genetics/Laboratory Corporation of America, LabCorp
Classification: Uncertain significance. Last evaluated: 2024-09-04. Review status: criteria provided, single submitter. Criteria: LabCorp Variant Classification Summary - May 2015. Collection method: clinical testing. Allele origin: germline.
Comment: Variant summary: CACNA1H c.3883A>G (p.Met1295Val) results in a conservative amino acid change located in the Ion transport domain (IPR005821) of the encoded protein sequence. Three of five in-silico tools predict a benign effect of the variant on protein function. The variant was absent in 239390 control chromosomes. The available data on variant occurrences in the general population are insufficient to allow any conclusion about variant significance. To our knowledge, no occurrence of c.3883A>G in individuals affected with Idiopathic Generalized Epilepsy and no experimental evidence demonstrating its impact on protein function have been reported. ClinVar contains an entry for this variant (Variation ID: 2013007). Based on the evidence outlined above, the variant was classified as uncertain significance.

Labcorp Genetics (formerly Invitae), Labcorp
Classification: Uncertain significance for Idiopathic generalized epilepsy; Hyperaldosteronism, familial, type IV. Last evaluated: 2022-07-07. Review status: criteria provided, single submitter. Criteria: Invitae Variant Classification Sherloc (09022015). Collection method: clinical testing. Allele origin: germline.
Comment: In summary, the available evidence is currently insufficient to determine the role of this variant in disease. Therefore, it has been classified as a Variant of Uncertain Significance. Advanced modeling of protein sequence and biophysical properties (such as structural, functional, and spatial information, amino acid conservation, physicochemical variation, residue mobility, and thermodynamic stability) performed at Invitae indicates that this missense variant is not expected to disrupt CACNA1H protein function. This variant has not been reported in the literature in individuals affected with CACNA1H-related conditions. This variant is not present in population databases (gnomAD no frequency). This sequence change replaces methionine, which is neutral and non-polar, with valine, which is neutral and non-polar, at codon 1295 of the CACNA1H protein (p.Met1295Val).

NM_021098.3(CACNA1H):c.3883A>G (p.Met1295Val)

Gene: CACNA1H (calcium voltage-gated channel subunit alpha1 H; plus strand). Cytogenetic location: 16p13.3.
Variant type: single nucleotide variant.
Coding change: c.3883A>G on transcript NM_021098.3 (MANE Select); coding-DNA position 3883, A replaced by G.
Protein change: p.Met1295Val; replaces methionine 1295 with valine.
Molecular consequence: missense variant.
Genome position (GRCh38, 1-based): chr16:1,210,407, A>G. VCF-style: chr16-1210407-A-G. GRCh37 (hg19) VCF-style: chr16-1260407-A-G.
Other names: c.3883A>G, p.Met1295Val (NM_001005407.2); short protein forms M1295V.
Identifiers: ClinVar variation 2013007 (VCV002013007.5), dbSNP rs1418345696, ClinGen allele CA394176402.